The following is an entry in ClinVar:

ClinVar aggregate classification (germline): Pathogenic/Likely pathogenic. Review status: criteria provided, multiple submitters, no conflicts (2 of 4 stars). 2 submissions from 2 submitters: Pathogenic (1); Likely pathogenic (1). Last evaluated 2022-06-04.

Conditions:
Early-infantile DEE. Also called: Ohtahara syndrome; Early infantile epileptic encephalopathy; Early infantile epileptic encephalopathy with suppression bursts. Identifiers: Orphanet 1934, MedGen C0393706, MONDO:0800491.

Submissions (2):

Labcorp Genetics (formerly Invitae), Labcorp
Classification: Likely pathogenic for Early-infantile DEE. Last evaluated: 2022-06-04. Review status: criteria provided, single submitter. Criteria: Invitae Variant Classification Sherloc (09022015). Collection method: clinical testing. Allele origin: germline.
Comment: This sequence change replaces glycine, which is neutral and non-polar, with glutamic acid, which is acidic and polar, at codon 40 of the GNAO1 protein (p.Gly40Glu). This variant is not present in population databases (gnomAD no frequency). This missense change has been observed in individual(s) with epileptic encephalopathy with cerebellar atrophy (PMID: 30682224). In at least one individual the variant was observed to be de novo. ClinVar contains an entry for this variant (Variation ID: 280589). Algorithms developed to predict the effect of missense changes on protein structure and function are either unavailable or do not agree on the potential impact of this missense change (SIFT: "Deleterious"; PolyPhen-2: "Probably Damaging"; Align-GVGD: "Class C0"). In summary, the currently available evidence indicates that the variant is pathogenic, but additional data are needed to prove that conclusively. Therefore, this variant has been classified as Likely Pathogenic.

GeneDx
Classification: Pathogenic. Last evaluated: 2016-05-17. Review status: criteria provided, single submitter. Criteria: GeneDx Variant Classification (06012015). Collection method: clinical testing. Allele origin: germline. Affected: yes.
Comment: The G40E variant in the GNAO1 gene has not been reported previously as a pathogenic variant nor as a benign variant, to our knowledge. The G40E variant was not observed in approximately 6500 individuals of European and African American ancestry in the NHLBI Exome Sequencing Project, indicating it is not a common benign variant in these populations. The G40E variant is a non-conservative amino acid substitution, which is likely to impact secondary protein structure as these residues differ in polarity, charge, size and/or other properties. This substitution occurs at a position that is conserved across species, and in silico analysis predicts this variant is probably damaging to the protein structure/function. In addition, a missense variant in a nearby residue, G42R, has been reported in the Human Gene Mutation Database in association with early infantile epileptic encephalopathy 17 (Stenson et al., 2014), further supporting the functional importance of this region of the protein. We interpret G40E as a pathogenic variant

Literature cited by the submitters: PubMed 30682224 (cited by Labcorp Genetics (formerly Invitae), Labcorp).

NM_020988.3(GNAO1):c.119G>A (p.Gly40Glu)

Gene: GNAO1 (G protein subunit alpha o1; plus strand). Cytogenetic location: 16q13.
Variant type: single nucleotide variant.
Coding change: c.119G>A on transcript NM_020988.3 (MANE Select); coding-DNA position 119, G replaced by A.
Protein change: p.Gly40Glu; replaces glycine 40 with glutamic acid.
Molecular consequence: missense variant.
Genome position (GRCh38, 1-based): chr16:56,192,574, G>A. VCF-style: chr16-56192574-G-A. GRCh37 (hg19) VCF-style: chr16-56226486-G-A.
Other names: c.119G>A, p.Gly40Glu (NM_138736.3); short protein forms G40E.
Identifiers: ClinVar variation 280589 (VCV000280589.6), dbSNP rs886041766, ClinGen allele CA10603414.
Genomic context (GRCh38, chr16:56,192,574, plus strand): 5'-TCCCCCTGTTCCCTTAAGCTGACACTCACCAGTTTTTCCCCACTGTCTGTGTCCCAACAG[G>A]GGCTGGAGAATCAGGAAAAAGCACCATTGTGAAGCAGATGAAGTAAGTCCCTGTGGCATT-3'
Protein context (NP_066268.1, residues 30-50): AAKDVKLLLL[Gly40Glu]AGESGKSTIV